The following is an entry in ClinVar:

ClinVar aggregate classification (germline): Uncertain significance. Review status: criteria provided, multiple submitters, no conflicts (2 of 4 stars). 2 submissions from 2 submitters: Uncertain significance (2). Last evaluated 2023-04-11.

Conditions:
Tuberous sclerosis 2 (TSC2). Identifiers: Orphanet 805, MedGen C1860707, MONDO:0013199, OMIM 613254.

Submissions (2):

GeneDx
Classification: Uncertain significance. Last evaluated: 2023-04-11. Review status: criteria provided, single submitter. Criteria: GeneDx Variant Classification Process June 2021. Collection method: clinical testing. Allele origin: germline. Affected: yes.
Comment: Not observed at significant frequency in large population cohorts (gnomAD); In silico analysis supports that this missense variant does not alter protein structure/function; Has not been previously published as pathogenic or benign to our knowledge; This variant is associated with the following publications: (PMID: Moron2020)

Labcorp Genetics (formerly Invitae), Labcorp
Classification: Uncertain significance for Tuberous sclerosis 2. Last evaluated: 2021-06-18. Review status: criteria provided, single submitter. Criteria: Invitae Variant Classification Sherloc (09022015). Collection method: clinical testing. Allele origin: germline.
Comment: In summary, the available evidence is currently insufficient to determine the role of this variant in disease. Therefore, it has been classified as a Variant of Uncertain Significance. Advanced modeling of protein sequence and biophysical properties (such as structural, functional, and spatial information, amino acid conservation, physicochemical variation, residue mobility, and thermodynamic stability) performed at Invitae indicates that this missense variant is not expected to disrupt TSC2 protein function. This variant has not been reported in the literature in individuals with TSC2-related conditions. This variant is not present in population databases (ExAC no frequency). This sequence change replaces alanine with proline at codon 210 of the TSC2 protein (p.Ala210Pro). The alanine residue is weakly conserved and there is a small physicochemical difference between alanine and proline.

NM_000548.5(TSC2):c.628G>C (p.Ala210Pro)

Gene: TSC2 (TSC complex subunit 2; plus strand). Cytogenetic location: 16p13.3.
Variant type: single nucleotide variant.
Coding change: c.628G>C on transcript NM_000548.5 (MANE Select); coding-DNA position 628, G replaced by C.
Protein change: p.Ala210Pro; replaces alanine 210 with proline.
Molecular consequence: missense variant.
Genome position (GRCh38, 1-based): chr16:2,056,224, G>C. VCF-style: chr16-2056224-G-C. GRCh37 (hg19) VCF-style: chr16-2106225-G-C.
Other names: c.628G>C (NM_000548.3); c.628G>C, p.Ala210Pro (NM_001077183.3, NM_001114382.3, NM_001363528.2 and 3 more transcripts); c.517G>C, p.Ala173Pro (NM_001318827.2); c.481G>C, p.Ala161Pro (NM_001318829.2); c.28G>C, p.Ala10Pro (NM_001318831.2); c.661G>C, p.Ala221Pro (NM_001318832.2); short protein forms A161P, A10P, A210P, A173P, A221P.
Identifiers: ClinVar variation 1514042 (VCV001514042.9), dbSNP rs147196739, ClinGen allele CA394310854.